The following is an entry in ClinVar:

ClinVar aggregate classification (germline): Conflicting classifications of pathogenicity. Review status: criteria provided, conflicting classifications (1 of 4 stars). 4 submissions from 4 submitters: Uncertain significance (2); Likely benign (2). Last evaluated 2024-07-10.

Conditions:
Inborn genetic diseases. Identifiers: MedGen C0950123, MeSH D030342.

Allele frequency attached by ClinVar (database versions not stated): 1000 Genomes Project 30x 0.00141; 1000 Genomes Project 0.00160; ESP Exome Variant Server 0.00031; TOPMed 0.00055; gnomAD 0.00056 and 0.00057.
gnomAD v4.1: 138 of 1,614,036 alleles (0.0085%); highest among the groups gnomAD compares: African/African-American, 0.17%; no homozygotes.

Submissions (4):

Ambry Genetics
Classification: Likely benign for Inborn genetic diseases. Last evaluated: 2024-07-10. Review status: criteria provided, single submitter. Criteria: Ambry Variant Classification Scheme 2023. Collection method: clinical testing. Allele origin: germline.

CeGaT Center for Human Genetics Tuebingen
Classification: Likely benign. Last evaluated: 2023-12-01. Review status: criteria provided, single submitter. Criteria: CeGaT Center For Human Genetics Tuebingen Variant Classification Criteria Version 2. Collection method: clinical testing. Allele origin: germline. Affected: yes. Observed: 1 variant allele.
Comment: CDK5RAP2: BP4

Labcorp Genetics (formerly Invitae), Labcorp
Classification: Uncertain significance. Last evaluated: 2022-03-11. Review status: criteria provided, single submitter. Criteria: Invitae Variant Classification Sherloc (09022015). Collection method: clinical testing. Allele origin: germline.
Comment: This sequence change replaces leucine, which is neutral and non-polar, with valine, which is neutral and non-polar, at codon 1347 of the CDK5RAP2 protein (p.Leu1347Val). This variant is present in population databases (rs144012972, gnomAD 0.2%). This variant has not been reported in the literature in individuals affected with CDK5RAP2-related conditions. ClinVar contains an entry for this variant (Variation ID: 1301368). Algorithms developed to predict the effect of missense changes on protein structure and function (SIFT, PolyPhen-2, Align-GVGD) all suggest that this variant is likely to be tolerated. In summary, the available evidence is currently insufficient to determine the role of this variant in disease. Therefore, it has been classified as a Variant of Uncertain Significance.

Women's Health and Genetics/Laboratory Corporation of America, LabCorp
Classification: Uncertain significance. Last evaluated: 2021-09-28. Review status: criteria provided, single submitter. Criteria: LabCorp Variant Classification Summary - May 2015. Collection method: clinical testing. Allele origin: germline.
Comment: Variant summary: CDK5RAP2 c.4039C>G (p.Leu1347Val) results in a conservative amino acid change in the encoded protein sequence. Five of five in-silico tools predict a benign effect of the variant on protein function. The variant allele was found at a frequency of 0.00014 in 251478 control chromosomes (gnomAD). To our knowledge, no occurrence of c.4039C>G in individuals affected with Primary Autosomal Recessive Microcephaly 3 and no experimental evidence demonstrating its impact on protein function have been reported. No clinical diagnostic laboratories have submitted clinical-significance assessments for this variant to ClinVar after 2014. Based on the evidence outlined above, the variant was classified as uncertain significance.

NM_018249.6(CDK5RAP2):c.4039C>G (p.Leu1347Val)

Gene: CDK5RAP2 (CDK5 regulatory subunit associated protein 2; minus strand). Cytogenetic location: 9q33.2.
Variant type: single nucleotide variant.
Coding change: c.4039C>G on transcript NM_018249.6 (MANE Select); coding-DNA position 4039, C replaced by G.
Protein change: p.Leu1347Val; replaces leucine 1347 with valine.
Molecular consequence: missense variant. On other transcripts: non-coding transcript variant (5).
Genome position (GRCh38, 1-based): chr9:120,419,926, G>C on the plus strand (C>G on the coding strand, the complement: CDK5RAP2 is on the minus strand). VCF-style: chr9-120419926-G-C. GRCh37 (hg19) VCF-style: chr9-123182204-G-C.
Other names: c.4039C>G (NM_018249.4); c.4039C>G, p.Leu1347Val (NM_001011649.3); c.3349C>G, p.Leu1117Val (NM_001272039.2); short protein forms L1117V, L1347V.
Identifiers: ClinVar variation 1301368 (VCV001301368.26), dbSNP rs144012972, ClinGen allele CA5213674.